The following is an entry in ClinVar:

ClinVar aggregate classification (germline): Uncertain significance (1 of 4 stars; one submission).

Allele frequency attached by ClinVar (database versions not stated): gnomAD exomes 0.00001; TOPMed below 0.00001.

Submission:

Labcorp Genetics (formerly Invitae), Labcorp
Classification: Uncertain significance. Last evaluated: 2025-09-02. Review status: criteria provided, single submitter. Criteria: Invitae Variant Classification Sherloc (09022015). Collection method: clinical testing. Allele origin: germline.
Comment: This sequence change replaces proline, which is neutral and non-polar, with leucine, which is neutral and non-polar, at codon 218 of the SNRPB protein (p.Pro218Leu). This variant is present in population databases (no rsID available, gnomAD 0.007%). This variant has not been reported in the literature in individuals affected with SNRPB-related conditions. ClinVar contains an entry for this variant (Variation ID: 1954425). Experimental studies and prediction algorithms are not available or were not evaluated, and the functional significance of this variant is currently unknown. In summary, the available evidence is currently insufficient to determine the role of this variant in disease. Therefore, it has been classified as a Variant of Uncertain Significance.

NM_003091.4(SNRPB):c.653C>T (p.Pro218Leu)

Gene: SNRPB (small nuclear ribonucleoprotein polypeptides B and B1; minus strand). Cytogenetic location: 20p13.
Variant type: single nucleotide variant.
Coding change: c.653C>T on transcript NM_003091.4 (MANE Select); coding-DNA position 653, C replaced by T.
Protein change: p.Pro218Leu; replaces proline 218 with leucine.
Molecular consequence: missense variant.
Genome position (GRCh38, 1-based): chr20:2,462,668, G>A on the plus strand (C>T on the coding strand, the complement: SNRPB is on the minus strand). VCF-style: chr20-2462668-G-A. GRCh37 (hg19) VCF-style: chr20-2443314-G-A.
Other names: c.653C>T, p.Pro218Leu (NM_198216.2); short protein forms P218L.
Identifiers: ClinVar variation 1954425 (VCV001954425.5), dbSNP rs1350686216, ClinGen allele CA408013147.